The following is an entry in ClinVar:

NC_000001.10:g.(?_45798269)_(45801500_?)del

Gene: MUTYH (mutY DNA glycosylase; minus strand). Cytogenetic location: 1p34.1.
Variant type: Deletion.
Identifiers: ClinVar variation 3247746 (VCV003247746.1).

ClinVar aggregate classification (germline): Pathogenic (1 of 4 stars; one submission).

Conditions:
Familial adenomatous polyposis 2. Also called: Adenomas, multiple colorectal; COLORECTAL ADENOMATOUS POLYPOSIS, AUTOSOMAL RECESSIVE; ADENOMAS, MULTIPLE COLORECTAL, AUTOSOMAL RECESSIVE; FAP type 2; MUTYH Polyposis; MYH-associated polyposis. Identifiers: Orphanet 220460, Orphanet 247798, MedGen C3272841, MONDO:0012041, OMIM 608456.

Submission:

Labcorp Genetics (formerly Invitae), Labcorp
Classification: Pathogenic for Familial adenomatous polyposis 2. Last evaluated: 2023-08-11. Review status: criteria provided, single submitter. Criteria: Invitae Variant Classification Sherloc (09022015). Collection method: clinical testing. Allele origin: unknown.
Comment: This variant results in the deletion of exon(s) 2-7 and part of exon 8 (c.37-1317_667del) of the MUTYH gene. It is expected to disrupt RNA splicing. Variants that disrupt the donor or acceptor splice site typically lead to a loss of protein function (PMID: 16199547), and loss-of-function variants in MUTYH are known to be pathogenic (PMID: 18534194, 20663686). This variant has been observed in individual(s) with clinical features of MUTYH-related conditions (PMID: 30604180). ClinVar contains an entry for this variant (Variation ID: 464717). This variant disrupts a region of the MUTYH protein in which other variant(s) (p.Tyr179Cys) have been determined to be pathogenic (PMID: 12606733, 16557584, 17489848, 19793053, 21063410, 24444654). This suggests that this is a clinically significant region of the protein, and that variants that disrupt it are likely to be disease-causing. For these reasons, this variant has been classified as Pathogenic.

Literature cited by the submitters: PubMed 16199547; PubMed 18534194; PubMed 20663686; PubMed 30604180; PubMed 12606733; PubMed 16557584; PubMed 17489848; PubMed 19793053; PubMed 21063410; PubMed 24444654.